The following is an entry in ClinVar:

NM_133433.4(NIPBL):c.2837dup (p.Leu946fs)

Gene: NIPBL (NIPBL cohesin loading factor; plus strand). Cytogenetic location: 5p13.2.
Variant type: Duplication.
Coding change: c.2837dup on transcript NM_133433.4 (MANE Select); coding-DNA position 2837, one base duplicated (T; older notation c.2837dupT).
Protein change: p.Leu946fs; shifts the reading frame from leucine 946.
Molecular consequence: frameshift variant.
Genome position (GRCh38, 1-based): chr5:36,986,017, T duplicated; the last of 2 consecutive T bases (chr5:36,986,016-36,986,017); duplicating either gives the same sequence. VCF-style (leftmost placement, unchanged base first): chr5-36986015-G-GT. GRCh37 (hg19) VCF-style: chr5-36986117-G-GT.
Other names: c.2837dup, p.Leu946fs (NM_015384.5); short protein forms L946fs.
Identifiers: ClinVar variation 1075044 (VCV001075044.7), dbSNP rs2149646411, ClinGen allele CA2499217838.
Genomic context (GRCh38, chr5:36,986,015, plus strand): 5'-GAGTAAAGTAGACACTAATAAAGCACACCCTGACAATAAGGCAGAATTTCCAAGTTATTT[G>GT]TTGGGGGGCAGGTCTGGTGCGTTGAAAAATTTTGTCATTCCGAAAATCAAGAGGGATAAA-3'

ClinVar aggregate classification (germline): Pathogenic (1 of 4 stars; one submission).

Conditions:
Cornelia de Lange syndrome 1 (CDLS1). Also called: TYPUS DEGENERATIVUS AMSTELODAMENSIS; Brachmann de Lange syndrome; NIPBL-Related Cornelia de Lange Syndrome. Identifiers: Orphanet 199, MedGen C4551851, MONDO:0007387, OMIM 122470.

Submission:

Labcorp Genetics (formerly Invitae), Labcorp
Classification: Pathogenic for Cornelia de Lange syndrome 1. Last evaluated: 2020-09-14. Review status: criteria provided, single submitter. Criteria: Invitae Variant Classification Sherloc (09022015). Collection method: clinical testing. Allele origin: germline.
Comment: For these reasons, this variant has been classified as Pathogenic. Loss-of-function variants in NIPBL are known to be pathogenic (PMID: 15318302, 19763162, 23505322, 29995837). This variant has not been reported in the literature in individuals with NIPBL-related conditions. This variant is not present in population databases (ExAC no frequency). This sequence change creates a premature translational stop signal (p.Leu946Phefs*20) in the NIPBL gene. It is expected to result in an absent or disrupted protein product.

Literature cited by the submitters: PubMed 15318302; PubMed 19763162; PubMed 23505322; PubMed 29995837.